The following is an entry in ClinVar:

ClinVar aggregate classification (germline): Uncertain significance (1 of 4 stars; one submission).

Allele frequency attached by ClinVar (database versions not stated): gnomAD exomes below 0.00001.
gnomAD v4.1: 2 of 1,613,776 alleles (0.00012%); highest among the groups gnomAD compares: East Asian, 0.0022%; no homozygotes.

Submission:

Women's Health and Genetics/Laboratory Corporation of America, LabCorp
Classification: Uncertain significance. Last evaluated: 2023-10-20. Review status: criteria provided, single submitter. Criteria: LabCorp Variant Classification Summary - May 2015. Collection method: clinical testing. Allele origin: germline.
Comment: Variant summary: KCNQ4 c.834+5G>A alters a conserved nucleotide located close to a canonical splice site and therefore could affect mRNA splicing, leading to a significantly altered protein sequence. Several computational tools predict a significant impact on normal splicing: Two predict the variant abolishes the 5' canonical splicing donor site. Two predict the variant weakens the 5' canonical splicing donor site. However, these predictions have yet to be confirmed by functional studies. The variant was absent in 251328 control chromosomes. The available data on variant occurrences in the general population are insufficient to allow any conclusion about variant significance. To our knowledge, no occurrence of c.834+5G>A in individuals affected with Autosomal Dominant Nonsyndromic Hearing Loss 2A and no experimental evidence demonstrating its impact on protein function have been reported. No submitters have cited clinical-significance assessments for this variant to ClinVar after 2014. Based on the evidence outlined above, the variant was classified as uncertain significance.

NM_004700.4(KCNQ4):c.834+5G>A

Gene: KCNQ4 (potassium voltage-gated channel subfamily Q member 4; plus strand). Cytogenetic location: 1p34.2.
Variant type: single nucleotide variant.
Coding change: c.834+5G>A on transcript NM_004700.4 (MANE Select); 5 bases into the intron after coding-DNA position 834, G replaced by A.
Molecular consequence: intron variant.
Genome position (GRCh38, 1-based): chr1:40,819,477, G>A. VCF-style: chr1-40819477-G-A. GRCh37 (hg19) VCF-style: chr1-41285149-G-A.
Other names: c.834+5G>A (NM_172163.3).
Identifiers: ClinVar variation 2637841 (VCV002637841.1), dbSNP rs2523887065, ClinGen allele CA2645137071.